The following is an entry in ClinVar:

ClinVar aggregate classification (germline): Uncertain significance (1 of 4 stars; one submission).

Submission:

Labcorp Genetics (formerly Invitae), Labcorp
Classification: Uncertain significance. Last evaluated: 2021-12-24. Review status: criteria provided, single submitter. Criteria: Invitae Variant Classification Sherloc (09022015). Collection method: clinical testing. Allele origin: germline.
Comment: Advanced modeling of protein sequence and biophysical properties (such as structural, functional, and spatial information, amino acid conservation, physicochemical variation, residue mobility, and thermodynamic stability) performed at Invitae indicates that this missense variant is expected to disrupt OPA1 protein function. In summary, the available evidence is currently insufficient to determine the role of this variant in disease. Therefore, it has been classified as a Variant of Uncertain Significance. This variant has not been reported in the literature in individuals affected with OPA1-related conditions. This variant is not present in population databases (gnomAD no frequency). This sequence change replaces asparagine, which is neutral and polar, with threonine, which is neutral and polar, at codon 428 of the OPA1 protein (p.Asn428Thr).

NM_130837.3(OPA1):c.1448A>C (p.Asn483Thr)

Gene: OPA1 (OPA1 mitochondrial dynamin like GTPase; plus strand). Cytogenetic location: 3q29.
Variant type: single nucleotide variant.
Coding change: c.1448A>C on transcript NM_130837.3 (MANE Select); coding-DNA position 1448, A replaced by C.
Protein change: p.Asn483Thr; replaces asparagine 483 with threonine.
Molecular consequence: missense variant.
Genome position (GRCh38, 1-based): chr3:193,643,598, A>C. VCF-style: chr3-193643598-A-C. GRCh37 (hg19) VCF-style: chr3-193361387-A-C.
Other names: c.914A>C, p.Asn305Thr (NM_001354663.2); c.911A>C, p.Asn304Thr (NM_001354664.2); c.1283A>C, p.Asn428Thr (NM_015560.3); c.1175A>C, p.Asn392Thr (NM_130831.3); c.1229A>C, p.Asn410Thr (NM_130832.3); c.1286A>C, p.Asn429Thr (NM_130833.3); c.1337A>C, p.Asn446Thr (NM_130834.3); c.1340A>C, p.Asn447Thr (NM_130835.3); and 1 more; short protein forms N305T, N392T, N410T, N428T, N429T, N465T, N483T, N304T.
Identifiers: ClinVar variation 2057195 (VCV002057195.4), dbSNP rs2474874479, ClinGen allele CA355789609.